The following is an entry in ClinVar:

NM_000038.6(APC):c.7239G>T (p.Lys2413Asn)

Gene: APC (APC regulator of Wnt signaling pathway; plus strand). Cytogenetic location: 5q22.2.
Variant type: single nucleotide variant.
Coding change: c.7239G>T on transcript NM_000038.6 (MANE Select); coding-DNA position 7239, G replaced by T.
Protein change: p.Lys2413Asn; replaces lysine 2413 with asparagine.
Molecular consequence: missense variant. On other transcripts: non-coding transcript variant (2).
Genome position (GRCh38, 1-based): chr5:112,842,833, G>T. VCF-style: chr5-112842833-G-T. GRCh37 (hg19) VCF-style: chr5-112178530-G-T.
Other names: c.7239G>T, p.Lys2413Asn (NM_001127510.3, NM_001354895.2, NM_001407450.1); c.7185G>T, p.Lys2395Asn (NM_001127511.3); c.7293G>T, p.Lys2431Asn (NM_001354896.2, NM_001407447.1, NM_001407448.1 and 1 more transcripts); c.7269G>T, p.Lys2423Asn (NM_001354897.2); c.7164G>T, p.Lys2388Asn (NM_001354898.2); c.7155G>T, p.Lys2385Asn (NM_001354899.2); c.7116G>T, p.Lys2372Asn (NM_001354900.2); c.7062G>T, p.Lys2354Asn (NM_001354901.2, NM_001407453.1); and 11 more; short protein forms K2029N, K2253N, K2372N, K2441N, K2284N, K2354N, K2385N, K2395N.
Identifiers: ClinVar variation 3408948 (VCV003408948.1).

ClinVar aggregate classification (germline): Uncertain significance (1 of 4 stars; one submission).

Conditions:
Hereditary cancer-predisposing syndrome. Also called: Neoplastic Syndromes, Hereditary; Tumor predisposition; Hereditary Cancer Syndrome; Hereditary neoplastic syndrome. Identifiers: Orphanet 140162, MedGen C0027672, MeSH D009386, MONDO:0015356.

Submission:

Ambry Genetics
Classification: Uncertain significance for Hereditary cancer-predisposing syndrome. Last evaluated: 2024-09-09. Review status: criteria provided, single submitter. Criteria: Ambry Variant Classification Scheme 2023. Collection method: clinical testing. Allele origin: germline.
Comment: The p.K2413N variant (also known as c.7239G>T), located in coding exon 15 of the APC gene, results from a G to T substitution at nucleotide position 7239. The lysine at codon 2413 is replaced by asparagine, an amino acid with similar properties. This amino acid position is conserved. In addition, in silico predictors for this gene do not accurately predict pathogenicity. Based on the available evidence, the clinical significance of this variant remains unclear.